The following is an entry in ClinVar:

NM_005585.5(SMAD6):c.1195G>A (p.Gly399Ser)

Gene: SMAD6 (SMAD family member 6; plus strand). Cytogenetic location: 15q22.31.
Variant type: single nucleotide variant.
Coding change: c.1195G>A on transcript NM_005585.5 (MANE Select); coding-DNA position 1195, G replaced by A.
Protein change: p.Gly399Ser; replaces glycine 399 with serine.
Molecular consequence: missense variant. On other transcripts: non-coding transcript variant (1).
Genome position (GRCh38, 1-based): chr15:66,781,239, G>A. VCF-style: chr15-66781239-G-A. GRCh37 (hg19) VCF-style: chr15-67073577-G-A.
Other names: short protein forms G399S.
Identifiers: ClinVar variation 2453905 (VCV002453905.2), dbSNP rs1203335291, ClinGen allele CA393202061.
Genomic context (GRCh38, chr15:66,781,239, plus strand): 5'-TCGGTGCGGCGAACGCGCAGCAAGATCGGCTTCGGCATCCTGCTCAGCAAGGAGCCCGAC[G>A]GCGTGTGGGCCTACAACCGCGGCGAGCACCCCATCTTCGTCAACTCCCCGACGCTGGACG-3'
Protein context (NP_005576.3, residues 389-409): FGILLSKEPD[Gly399Ser]VWAYNRGEHP

ClinVar aggregate classification (germline): Uncertain significance (1 of 4 stars; one submission).

Conditions:
Inborn genetic diseases. Identifiers: MedGen C0950123, MeSH D030342.

Submission:

Ambry Genetics
Classification: Uncertain significance for Inborn genetic diseases. Last evaluated: 2023-01-12. Review status: criteria provided, single submitter. Criteria: Ambry Variant Classification Scheme 2023. Collection method: clinical testing. Allele origin: germline.
Comment: The p.G399S variant (also known as c.1195G>A), located in coding exon 4 of the SMAD6 gene, results from a G to A substitution at nucleotide position 1195. The glycine at codon 399 is replaced by serine, an amino acid with similar properties. This amino acid position is conserved. In addition, this alteration is predicted to be deleterious by in silico analysis. Since supporting evidence is limited at this time, the clinical significance of this alteration remains unclear.